The following is an entry in ClinVar:

ClinVar aggregate classification (germline): Likely benign (1 of 4 stars; one submission).

Submission:

CeGaT Center for Human Genetics Tuebingen
Classification: Likely benign. Last evaluated: 2026-09-01. Review status: criteria provided, single submitter. Criteria: CeGaT Center For Human Genetics Tuebingen Variant Classification Criteria Version 2. Collection method: clinical testing. Allele origin: germline. Affected: yes. Observed: 1 variant allele.
Comment: MAG: PM2:Supporting, BP4, BP7

NM_002361.4(MAG):c.1374G>T (p.Arg458=)

Gene: MAG (myelin associated glycoprotein; plus strand). Cytogenetic location: 19q13.12.
Variant type: single nucleotide variant.
Coding change: c.1374G>T on transcript NM_002361.4 (MANE Select); coding-DNA position 1374, G replaced by T.
Protein change: p.Arg458=; no amino-acid change (arginine 458 retained).
Molecular consequence: synonymous variant.
Genome position (GRCh38, 1-based): chr19:35,310,016, G>T. VCF-style: chr19-35310016-G-T. GRCh37 (hg19) VCF-style: chr19-35800919-G-T.
Other names: c.1299G>T, p.Arg433= (NM_001199216.2); c.1374G>T, p.Arg458= (NM_080600.3).
Identifiers: ClinVar variation 5041721 (VCV005041721.1).